The following is an entry in ClinVar:

NM_021076.4(NEFH):c.148T>C (p.Trp50Arg)

Gene: NEFH (neurofilament heavy chain; plus strand). Cytogenetic location: 22q12.2.
Variant type: single nucleotide variant.
Coding change: c.148T>C on transcript NM_021076.4 (MANE Select); coding-DNA position 148, T replaced by C.
Protein change: p.Trp50Arg; replaces tryptophan 50 with arginine.
Molecular consequence: missense variant.
Genome position (GRCh38, 1-based): chr22:29,480,410, T>C. VCF-style: chr22-29480410-T-C. GRCh37 (hg19) VCF-style: chr22-29876399-T-C.
Other names: short protein forms W50R.
Identifiers: ClinVar variation 1715126 (VCV001715126.5), dbSNP rs2517968218, ClinGen allele CA411121627.
Genomic context (GRCh38, chr22:29,480,410, plus strand): 5'-CGAAAGGGTGGCGCAGGCGGGACGCGCTCCGCCGCTGGCTCCTCCAGCGGCTTCCACTCG[T>C]GGACACGGACGTCCGTGAGCTCCGTGTCCGCCTCGCCCAGCCGCTTCCGTGGCGCAGGCG-3'
Protein context (NP_066554.2, residues 40-60): AAGSSSGFHS[Trp50Arg]TRTSVSSVSA

ClinVar aggregate classification (germline): Uncertain significance (1 of 4 stars; one submission).

Allele frequency attached by ClinVar (database versions not stated): gnomAD exomes below 0.00001.
gnomAD v4.1: 2 of 1,534,396 alleles (0.00013%); highest among the groups gnomAD compares: African/African-American, 0.0027%; no homozygotes.

Submission:

Labcorp Genetics (formerly Invitae), Labcorp
Classification: Uncertain significance. Last evaluated: 2022-08-09. Review status: criteria provided, single submitter. Criteria: Invitae Variant Classification Sherloc (09022015). Collection method: clinical testing. Allele origin: germline.
Comment: Advanced modeling of protein sequence and biophysical properties (such as structural, functional, and spatial information, amino acid conservation, physicochemical variation, residue mobility, and thermodynamic stability) performed at Invitae indicates that this missense variant is not expected to disrupt NEFH protein function. This variant has not been reported in the literature in individuals affected with NEFH-related conditions. This variant is not present in population databases (gnomAD no frequency). This sequence change replaces tryptophan, which is neutral and slightly polar, with arginine, which is basic and polar, at codon 50 of the NEFH protein (p.Trp50Arg). In summary, the available evidence is currently insufficient to determine the role of this variant in disease. Therefore, it has been classified as a Variant of Uncertain Significance.